The following is an entry in ClinVar:

ClinVar aggregate classification (germline): Pathogenic (1 of 4 stars; one submission).

Conditions:
Arginase deficiency. Also called: Arginase 1 Deficiency; ARGININEMIA; ARG1 DEFICIENCY. Identifiers: Orphanet 90, MedGen C0268548, MONDO:0008814, OMIM 207800.

Submission:

Labcorp Genetics (formerly Invitae), Labcorp
Classification: Pathogenic for Arginase deficiency. Last evaluated: 2023-08-17. Review status: criteria provided, single submitter. Criteria: Invitae Variant Classification Sherloc (09022015). Collection method: clinical testing. Allele origin: germline.
Comment: For these reasons, this variant has been classified as Pathogenic. This variant has not been reported in the literature in individuals affected with ARG1-related conditions. This variant is present in population databases (no rsID available, gnomAD 0.007%). This sequence change creates a premature translational stop signal (p.Val165Glyfs*32) in the ARG1 gene. It is expected to result in an absent or disrupted protein product. Loss-of-function variants in ARG1 are known to be pathogenic (PMID: 7649538, 12052859).

Literature cited by the submitters: PubMed 7649538; PubMed 12052859.

NM_000045.4(ARG1):c.493dup (p.Val165fs)

Genes: ARG1 (arginase 1; plus strand), MED23 (mediator complex subunit 23; minus strand). Cytogenetic location: 6q23.2.
Variant type: Duplication.
Coding change: c.493dup on transcript NM_000045.4 (MANE Select); coding-DNA position 493, one base duplicated (G; older notation c.493dupG).
Protein change: p.Val165fs; shifts the reading frame from valine 165.
Molecular consequence: frameshift variant. On other transcripts: non-coding transcript variant (1), intron variant (3).
Genome position (GRCh38, 1-based): chr6:131,582,648, G duplicated; the last of 3 consecutive G bases (chr6:131,582,646-131,582,648); duplicating any one gives the same sequence. VCF-style (leftmost placement, unchanged base first): chr6-131582645-T-TG. GRCh37 (hg19) VCF-style: chr6-131903785-T-TG.
Other names: c.517dup, p.Val173fs (NM_001244438.2); c.306-412dup (NM_001369020.1); c.4077+5063dup (NM_001270521.2); c.4095+5063dup (NM_015979.4); short protein forms V173fs, V165fs.
Identifiers: ClinVar variation 2980910 (VCV002980910.3), dbSNP rs1239789338, ClinGen allele CA570093936.